The following is an entry in ClinVar:

NM_014727.3(KMT2B):c.4430G>A (p.Arg1477Gln)

Gene: KMT2B (lysine methyltransferase 2B; plus strand). Cytogenetic location: 19q13.12.
Variant type: single nucleotide variant.
Coding change: c.4430G>A on transcript NM_014727.3 (MANE Select); coding-DNA position 4430, G replaced by A.
Protein change: p.Arg1477Gln; replaces arginine 1477 with glutamine.
Molecular consequence: missense variant.
Genome position (GRCh38, 1-based): chr19:35,727,918, G>A. VCF-style: chr19-35727918-G-A. GRCh37 (hg19) VCF-style: chr19-36218819-G-A.
Other names: short protein forms R1477Q.
Identifiers: ClinVar variation 1698142 (VCV001698142.7), dbSNP rs758281505, ClinGen allele CA9385090.

ClinVar aggregate classification (germline): Uncertain significance. Review status: criteria provided, multiple submitters, no conflicts (2 of 4 stars). 2 submissions from 2 submitters: Uncertain significance (2). Last evaluated 2023-05-21.

Allele frequency attached by ClinVar (database versions not stated): gnomAD 0.00001; gnomAD exomes 0.00001; TOPMed 0.00002; ExAC 0.00004.
gnomAD v4.1: 7 of 1,600,410 alleles (0.00044%); highest among the groups gnomAD compares: East Asian, 0.0045%; no homozygotes.

Submissions (2):

Labcorp Genetics (formerly Invitae), Labcorp
Classification: Uncertain significance. Last evaluated: 2023-05-21. Review status: criteria provided, single submitter. Criteria: Invitae Variant Classification Sherloc (09022015). Collection method: clinical testing. Allele origin: germline.
Comment: In summary, the available evidence is currently insufficient to determine the role of this variant in disease. Therefore, it has been classified as a Variant of Uncertain Significance. Advanced modeling of protein sequence and biophysical properties (such as structural, functional, and spatial information, amino acid conservation, physicochemical variation, residue mobility, and thermodynamic stability) performed at Invitae indicates that this missense variant is not expected to disrupt KMT2B protein function. ClinVar contains an entry for this variant (Variation ID: 1698142). This variant has not been reported in the literature in individuals affected with KMT2B-related conditions. The frequency data for this variant in the population databases is considered unreliable, as metrics indicate poor data quality at this position in the gnomAD database. This sequence change replaces arginine, which is basic and polar, with glutamine, which is neutral and polar, at codon 1477 of the KMT2B protein (p.Arg1477Gln).

GeneDx
Classification: Uncertain significance. Last evaluated: 2022-01-20. Review status: criteria provided, single submitter. Criteria: GeneDx Variant Classification Process June 2021. Collection method: clinical testing. Allele origin: germline. Affected: yes.
Comment: Has not been previously published as pathogenic or benign to our knowledge; In silico analysis supports that this missense variant does not alter protein structure/function